The following is an entry in ClinVar:

NM_003072.5(SMARCA4):c.672G>A (p.Ser224=)

Gene: SMARCA4 (SWI/SNF related BAF chromatin remodeling complex subunit ATPase 4; plus strand). Cytogenetic location: 19p13.2.
Variant type: single nucleotide variant.
Coding change: c.672G>A on transcript NM_003072.5 (MANE Select); coding-DNA position 672, G replaced by A.
Protein change: p.Ser224=; no amino-acid change (serine 224 retained).
Molecular consequence: synonymous variant. On other transcripts: non-coding transcript variant (1).
Genome position (GRCh38, 1-based): chr19:10,986,505, G>A. VCF-style: chr19-10986505-G-A. GRCh37 (hg19) VCF-style: chr19-11097181-G-A.
Other names: c.672G>A, p.Ser224= (NM_001128844.3, NM_001128845.2, NM_001128846.2 and 5 more transcripts).
Identifiers: ClinVar variation 238509 (VCV000238509.18), dbSNP rs775288964, ClinGen allele CA9203541.
Genomic context (GRCh38, chr19:10,986,505, plus strand): 5'-GCAGGGCAAGCGGCCGATGCCCGGGATGCAGCAGCAGATGCCAACGCTACCTCCACCCTC[G>A]GTGTCCGCAACAGGACCCGGCCCTGGCCCTGGCCCTGGCCCCGGCCCGGGTCCCGGCCCG-3'
Protein context (NP_003063.2, residues 214-234): QQQMPTLPPP[Ser224=]VSATGPGPGP

ClinVar aggregate classification (germline): Conflicting classifications of pathogenicity. Review status: criteria provided, conflicting classifications (1 of 4 stars). 4 submissions from 4 submitters: Uncertain significance (1); Likely benign (3). Last evaluated 2025-11-11.

Conditions:
Hereditary cancer-predisposing syndrome. Also called: Neoplastic Syndromes, Hereditary; Hereditary neoplastic syndrome; Tumor predisposition; Hereditary Cancer Syndrome. Identifiers: Orphanet 140162, MedGen C0027672, MeSH D009386, MONDO:0015356.
Rhabdoid tumor predisposition syndrome 2 (RTPS2). Identifiers: Orphanet 231108, Orphanet 69077, MedGen C2750074, MONDO:0013224, OMIM 613325.

Allele frequency attached by ClinVar (database versions not stated): gnomAD 0.00001; TOPMed 0.00001; gnomAD exomes 0.00004 and 0.00006; ExAC 0.00021.
gnomAD v4.1: 53 of 1,546,330 alleles (0.0034%); highest among the groups gnomAD compares: South Asian, 0.04%; no homozygotes.

Submissions (4):

Labcorp Genetics (formerly Invitae), Labcorp
Classification: Likely benign for Rhabdoid tumor predisposition syndrome 2. Last evaluated: 2025-11-11. Review status: criteria provided, single submitter. Criteria: Invitae Variant Classification Sherloc (09022015). Collection method: clinical testing. Allele origin: germline.

GeneDx
Classification: Uncertain significance. Last evaluated: 2023-12-28. Review status: criteria provided, single submitter. Criteria: GeneDx Variant Classification Process June 2021. Collection method: clinical testing. Allele origin: germline. Affected: yes.
Comment: In silico analysis suggests this variant may impact gene splicing. In the absence of RNA/functional studies, the actual effect of this sequence change is unknown.; Has not been previously published as pathogenic or benign to our knowledge

Sema4
Classification: Likely benign for Hereditary cancer-predisposing syndrome. Last evaluated: 2021-11-06. Review status: criteria provided, single submitter. Criteria: Sema4 Curation Guidelines. Collection method: curation. Allele origin: germline.

Ambry Genetics
Classification: Likely benign for Hereditary cancer-predisposing syndrome. Last evaluated: 2018-06-11. Review status: criteria provided, single submitter. Criteria: Ambry Variant Classification Scheme 2023. Collection method: clinical testing. Allele origin: germline.